The following is an entry in ClinVar:

ClinVar aggregate classification (germline): Uncertain significance (1 of 4 stars; one submission).

Allele frequency attached by ClinVar (database versions not stated): TOPMed 0.00001.

Submission:

Labcorp Genetics (formerly Invitae), Labcorp
Classification: Uncertain significance. Last evaluated: 2023-03-26. Review status: criteria provided, single submitter. Criteria: Invitae Variant Classification Sherloc (09022015). Collection method: clinical testing. Allele origin: germline.
Comment: This sequence change replaces aspartic acid, which is acidic and polar, with asparagine, which is neutral and polar, at codon 227 of the SOX11 protein (p.Asp227Asn). The frequency data for this variant in the population databases is considered unreliable, as metrics indicate poor data quality at this position in the gnomAD database. This variant has not been reported in the literature in individuals affected with SOX11-related conditions. Advanced modeling of protein sequence and biophysical properties (such as structural, functional, and spatial information, amino acid conservation, physicochemical variation, residue mobility, and thermodynamic stability) performed at Invitae indicates that this missense variant is not expected to disrupt SOX11 protein function. In summary, the available evidence is currently insufficient to determine the role of this variant in disease. Therefore, it has been classified as a Variant of Uncertain Significance.

NM_003108.4(SOX11):c.679G>A (p.Asp227Asn)

Gene: SOX11 (SRY-box transcription factor 11; plus strand). Cytogenetic location: 2p25.2.
Variant type: single nucleotide variant.
Coding change: c.679G>A on transcript NM_003108.4 (MANE Select); coding-DNA position 679, G replaced by A.
Protein change: p.Asp227Asn; replaces aspartic acid 227 with asparagine.
Molecular consequence: missense variant.
Genome position (GRCh38, 1-based): chr2:5,693,400, G>A. VCF-style: chr2-5693400-G-A. GRCh37 (hg19) VCF-style: chr2-5833532-G-A.
Other names: short protein forms D227N.
Identifiers: ClinVar variation 3005445 (VCV003005445.3), dbSNP rs774871082, ClinGen allele CA345867214.